The following is an entry in ClinVar:

NM_017617.5(NOTCH1):c.5094C>T (p.Asp1698=)

Gene: NOTCH1 (notch receptor 1; minus strand). Cytogenetic location: 9q34.3.
Variant type: single nucleotide variant.
Coding change: c.5094C>T on transcript NM_017617.5 (MANE Select); coding-DNA position 5094, C replaced by T.
Protein change: p.Asp1698=; no amino-acid change (aspartic acid 1698 retained).
Molecular consequence: synonymous variant.
Genome position (GRCh38, 1-based): chr9:136,503,255, G>A on the plus strand (C>T on the coding strand, the complement: NOTCH1 is on the minus strand). VCF-style: chr9-136503255-G-A. GRCh37 (hg19) VCF-style: chr9-139397707-G-A.
Other names: p.Asp1698=; c.5094C>T (NM_017617.4); c.5094C>T, p.Asp1698= (LRG_1122t1).
Identifiers: ClinVar variation 384696 (VCV000384696.28), dbSNP rs10521, ClinGen allele CA5340444.

ClinVar aggregate classification (germline): Benign. Review status: criteria provided, multiple submitters, no conflicts (2 of 4 stars). 15 submissions from 14 submitters: Benign (10). 5 of the submissions do not count toward it. Last evaluated 2026-02-04.

Conditions:
Adams-Oliver syndrome 5 (AOS5). Identifiers: Orphanet 974, MedGen C4014970, MONDO:0014459, OMIM 616028.
Aortic valve disease 1 (AOVD1). Identifiers: MedGen C3887892, MONDO:0024523, OMIM 109730.
Familial thoracic aortic aneurysm and aortic dissection (TAAD). Also called: Thoracic aortic aneurysms and dissections. Identifiers: Orphanet 91387, MedGen C4707243, MONDO:0019625.

Allele frequency attached by ClinVar (database versions not stated): gnomAD exomes 0.38795 and 0.44944; ESP Exome Variant Server 0.40804; gnomAD 0.43502 and 0.43958; ExAC 0.44425; TOPMed 0.45269; 1000 Genomes Project 30x 0.54653; 1000 Genomes Project 0.55351.
gnomAD v4.1: 634,834 of 1,612,658 alleles (39%); highest among the groups gnomAD compares: East Asian, 85%; 132,607 homozygotes.

Submissions (15):

Labcorp Genetics (formerly Invitae), Labcorp
Classification: Benign for Adams-Oliver syndrome 5. Last evaluated: 2026-02-04. Review status: criteria provided, single submitter. Criteria: Invitae Variant Classification Sherloc (09022015). Collection method: clinical testing. Allele origin: germline.

ARUP Laboratories, Molecular Genetics and Genomics, ARUP Laboratories
Classification: Benign. Last evaluated: 2025-07-29. Review status: criteria provided, single submitter. Criteria: ARUP Molecular Germline Variant Investigation Process 2024. Collection method: clinical testing. Allele origin: germline.

Blueprint Genetics
Classification: Benign. Last evaluated: 2024-11-27. Review status: criteria provided, single submitter. Criteria: ACMG Guidelines, 2015. Collection method: clinical testing. Allele origin: germline.

Women's Health and Genetics/Laboratory Corporation of America, LabCorp
Classification: Benign. Last evaluated: 2023-04-04. Review status: criteria provided, single submitter. Criteria: LabCorp Variant Classification Summary - May 2015. Collection method: clinical testing. Allele origin: germline.

Genome-Nilou Lab
Classification: Benign for Adams-Oliver syndrome 5. Last evaluated: 2022-03-15. Review status: criteria provided, single submitter. Criteria: ACMG Guidelines, 2015. Collection method: clinical testing. Allele origin: germline. Affected: no.

Genome-Nilou Lab
Classification: Benign for Aortic valve disease 1. Last evaluated: 2022-03-15. Review status: criteria provided, single submitter. Criteria: ACMG Guidelines, 2015. Collection method: clinical testing. Allele origin: germline. Affected: no.

Mayo Clinic Laboratories, Mayo Clinic
Classification: Benign. Last evaluated: 2017-11-10. Review status: criteria provided, single submitter. Criteria: ACMG Guidelines, 2015. Collection method: clinical testing. Allele origin: germline. Observed: 949 variant alleles.

GeneDx
Classification: Benign. Last evaluated: 2016-09-23. Review status: criteria provided, single submitter. Criteria: GeneDx Variant Classification (06012015). Collection method: clinical testing. Allele origin: germline. Affected: yes.
Comment: This variant is considered likely benign or benign based on one or more of the following criteria: it is a conservative change, it occurs at a poorly conserved position in the protein, it is predicted to be benign by multiple in silico algorithms, and/or has population frequency not consistent with disease.

Ambry Genetics
Classification: Benign for Familial thoracic aortic aneurysm and aortic dissection. Last evaluated: 2014-12-30. Review status: criteria provided, single submitter. Criteria: Ambry Variant Classification Scheme 2023. Collection method: clinical testing. Allele origin: germline.

Breakthrough Genomics
Classification: Benign. Review status: criteria provided, single submitter. Criteria: ACMG Guidelines, 2015. Collection method: not provided. Allele origin: germline. Inheritance: Autosomal dominant inheritance. Affected: yes.

Clinical Genetics DNA and cytogenetics Diagnostics Lab, Erasmus MC, Erasmus Medical Center
Classification: Benign. Review status: no assertion criteria provided. Collection method: clinical testing. Allele origin: germline. Affected: yes. Study: VKGL Data-share Consensus. Not counted in ClinVar's aggregate classification.

Clinical Genetics, Academic Medical Center
Classification: Benign. Review status: no assertion criteria provided. Collection method: clinical testing. Allele origin: germline. Affected: yes. Study: VKGL Data-share Consensus. Not counted in ClinVar's aggregate classification.

Diagnostic Laboratory, Department of Genetics, University Medical Center Groningen
Classification: Likely benign for Aortic valve disease 1. Review status: no assertion criteria provided. Collection method: clinical testing. Allele origin: germline. Affected: yes. Study: VKGL Data-share Consensus. Not counted in ClinVar's aggregate classification.

Genome Diagnostics Laboratory, Amsterdam University Medical Center
Classification: Benign. Review status: no assertion criteria provided. Collection method: clinical testing. Allele origin: germline. Affected: yes. Study: VKGL Data-share Consensus. Not counted in ClinVar's aggregate classification.

Joint Genome Diagnostic Labs from Nijmegen and Maastricht, Radboudumc and MUMC+
Classification: Benign. Review status: no assertion criteria provided. Collection method: clinical testing. Allele origin: germline. Affected: yes. Study: VKGL Data-share Consensus. Not counted in ClinVar's aggregate classification.

Literature cited by the submitters: PubMed 24943832 (cited by Women's Health and Genetics/Laboratory Corporation of America, LabCorp); PubMed 16614245 (cited by Women's Health and Genetics/Laboratory Corporation of America, LabCorp); PubMed 21670202 (cited by Women's Health and Genetics/Laboratory Corporation of America, LabCorp); PubMed 22210878 (cited by Women's Health and Genetics/Laboratory Corporation of America, LabCorp); PubMed 19635999 (cited by Women's Health and Genetics/Laboratory Corporation of America, LabCorp); PubMed 26837699 (cited by Women's Health and Genetics/Laboratory Corporation of America, LabCorp); PubMed 23086750 (cited by Women's Health and Genetics/Laboratory Corporation of America, LabCorp); PubMed 19245433 (cited by Women's Health and Genetics/Laboratory Corporation of America, LabCorp); PubMed 22077063 (cited by Women's Health and Genetics/Laboratory Corporation of America, LabCorp); PubMed 15472075 (cited by Women's Health and Genetics/Laboratory Corporation of America, LabCorp); PubMed 23734977 (cited by Women's Health and Genetics/Laboratory Corporation of America, LabCorp); PubMed 22858860 (cited by Women's Health and Genetics/Laboratory Corporation of America, LabCorp).